The following is an entry in ClinVar:

ClinVar aggregate classification (germline): Uncertain significance (1 of 4 stars; one submission).

Allele frequency attached by ClinVar (database versions not stated): gnomAD exomes 0.00001; gnomAD 0.00002; ExAC 0.00005.
gnomAD v4.1: 25 of 1,613,968 alleles (0.0015%); highest among the groups gnomAD compares: South Asian, 0.0033%; no homozygotes.

Submission:

Labcorp Genetics (formerly Invitae), Labcorp
Classification: Uncertain significance. Last evaluated: 2022-10-05. Review status: criteria provided, single submitter. Criteria: Invitae Variant Classification Sherloc (09022015). Collection method: clinical testing. Allele origin: germline.
Comment: This sequence change replaces alanine, which is neutral and non-polar, with valine, which is neutral and non-polar, at codon 1589 of the FAT4 protein (p.Ala1589Val). This variant is present in population databases (rs771708812, gnomAD 0.007%). This variant has not been reported in the literature in individuals affected with FAT4-related conditions. Advanced modeling of protein sequence and biophysical properties (such as structural, functional, and spatial information, amino acid conservation, physicochemical variation, residue mobility, and thermodynamic stability) performed at Invitae indicates that this missense variant is not expected to disrupt FAT4 protein function. In summary, the available evidence is currently insufficient to determine the role of this variant in disease. Therefore, it has been classified as a Variant of Uncertain Significance.

NM_001291303.3(FAT4):c.4766C>T (p.Ala1589Val)

Gene: FAT4 (FAT atypical cadherin 4; plus strand). Cytogenetic location: 4q28.1.
Variant type: single nucleotide variant.
Coding change: c.4766C>T on transcript NM_001291303.3 (MANE Select); coding-DNA position 4766, C replaced by T.
Protein change: p.Ala1589Val; replaces alanine 1589 with valine.
Molecular consequence: missense variant.
Genome position (GRCh38, 1-based): chr4:125,321,177, C>T. VCF-style: chr4-125321177-C-T. GRCh37 (hg19) VCF-style: chr4-126242332-C-T.
Other names: c.4766C>T, p.Ala1589Val (NM_001291285.3, NM_024582.6); short protein forms A1589V.
Identifiers: ClinVar variation 1915759 (VCV001915759.2), dbSNP rs771708812, ClinGen allele CA3072518.
Genomic context (GRCh38, chr4:125,321,177, plus strand): 5'-ATGGGGACACAGACACCTTCATTGTTGATCGTTATAGTGGAGACCTGAGAGTGGCTTCAG[C>T]GTTGGTGCCTTCACAGTTGATCTACAATCTCATAGTTTCAGCAACAGACCTTGGGCCTGA-3'
Protein context (NP_001278232.1, residues 1579-1599): RYSGDLRVAS[Ala1589Val]LVPSQLIYNL